The following is an entry in ClinVar:

ClinVar aggregate classification (germline): Uncertain significance (1 of 4 stars; one submission).

Allele frequency attached by ClinVar (database versions not stated): gnomAD exomes below 0.00001.
gnomAD v4.1: 2 of 1,614,234 alleles (0.00012%); highest among the groups gnomAD compares: Non-Finnish European, 0.00017%; no homozygotes.

Submission:

CeGaT Center for Human Genetics Tuebingen
Classification: Uncertain significance. Last evaluated: 2023-11-01. Review status: criteria provided, single submitter. Criteria: CeGaT Center For Human Genetics Tuebingen Variant Classification Criteria Version 2. Collection method: clinical testing. Allele origin: germline. Affected: yes. Observed: 1 variant allele.
Comment: ADCY5: PM2:Supporting, BP4

NM_183357.3(ADCY5):c.1698C>T (p.His566=)

Gene: ADCY5 (adenylate cyclase 5; minus strand). Cytogenetic location: 3q21.1.
Variant type: single nucleotide variant.
Coding change: c.1698C>T on transcript NM_183357.3 (MANE Select); coding-DNA position 1698, C replaced by T.
Protein change: p.His566=; no amino-acid change (histidine 566 retained).
Molecular consequence: synonymous variant.
Genome position (GRCh38, 1-based): chr3:123,328,751, G>A on the plus strand (C>T on the coding strand, the complement: ADCY5 is on the minus strand). VCF-style: chr3-123328751-G-A. GRCh37 (hg19) VCF-style: chr3-123047598-G-A.
Other names: c.648C>T, p.His216= (NM_001199642.1); c.1698C>T, p.His566= (NM_001378259.1).
Identifiers: ClinVar variation 2672948 (VCV002672948.23), dbSNP rs2472848446, ClinGen allele CA435293817.